The following is an entry in ClinVar:

ClinVar aggregate classification (germline): Benign. Review status: criteria provided, multiple submitters, no conflicts (2 of 4 stars). 4 submissions from 4 submitters: Benign (4). Last evaluated 2019-02-28.

Conditions:
Xeroderma pigmentosum, group F (XPF). Also called: ERCC4-Related Xeroderma Pigmentosum; XERODERMA PIGMENTOSUM, TYPE F; Xeroderma pigmentosum, type 6; XERODERMA PIGMENTOSUM VI; XP, GROUP F; XERODERMA PIGMENTOSUM, COMPLEMENTATION GROUP F. Identifiers: MedGen C0268140, MONDO:0010215, OMIM 278760.

Allele frequency attached by ClinVar (database versions not stated): ESP Exome Variant Server 0.02982; 1000 Genomes Project 30x 0.02998; gnomAD exomes 0.00227 and 0.00664; ExAC 0.00805; gnomAD 0.02488 and 0.02645; TOPMed 0.02803; 1000 Genomes Project 0.02975.
gnomAD v4.1: 7,198 of 1,606,426 alleles (0.45%); highest among the groups gnomAD compares: African/African-American, 8.5%; 275 homozygotes.

Submissions (4):

GeneDx
Classification: Benign. Last evaluated: 2019-02-28. Review status: criteria provided, single submitter. Criteria: GeneDx Variant Classification Process June 2021. Collection method: clinical testing. Allele origin: germline. Affected: yes.

Illumina Laboratory Services, Illumina
Classification: Benign for Xeroderma pigmentosum, group F. Last evaluated: 2018-01-13. Review status: criteria provided, single submitter. Criteria: ICSL Variant Classification Criteria 13 December 2019. Collection method: clinical testing. Allele origin: germline.
Comment: This variant was observed in the ICSL laboratory as part of a predisposition screen in an ostensibly healthy population. It had not been previously curated by ICSL or reported in the Human Gene Mutation Database (HGMD: prior to June 1st, 2018), and was therefore a candidate for classification through an automated scoring system. Utilizing variant allele frequency, disease prevalence and penetrance estimates, and inheritance mode, an automated score was calculated to assess if this variant is too frequent to cause the disease. Based on the score and internal cut-off values, a variant classified as benign is not then subjected to further curation. The score for this variant resulted in a classification of benign for this disease.

Breakthrough Genomics
Classification: Benign. Review status: criteria provided, single submitter. Criteria: ACMG Guidelines, 2015. Collection method: not provided. Allele origin: germline. Inheritance: Autosomal recessive inheritance. Affected: yes.

PreventionGenetics, part of Exact Sciences
Classification: Benign. Review status: criteria provided, single submitter. Criteria: ACMG Guidelines, 2015. Collection method: clinical testing. Allele origin: germline.

NM_005236.3(ERCC4):c.*11C>T

Gene: ERCC4 (ERCC excision repair 4, endonuclease catalytic subunit; plus strand). Cytogenetic location: 16p13.12.
Variant type: single nucleotide variant.
Coding change: c.*11C>T on transcript NM_005236.3 (MANE Select); 11 bases downstream of the stop codon, C replaced by T.
Molecular consequence: 3 prime UTR variant.
Genome position (GRCh38, 1-based): chr16:13,948,358, C>T. VCF-style: chr16-13948358-C-T. GRCh37 (hg19) VCF-style: chr16-14042215-C-T.
Identifiers: ClinVar variation 259682 (VCV000259682.9), dbSNP rs9929524, ClinGen allele CA7910813.